The following is an entry in ClinVar:

NM_000051.4(ATM):c.496+18T>A

Gene: ATM (ATM serine/threonine kinase; plus strand). Cytogenetic location: 11q22.3.
Variant type: single nucleotide variant.
Coding change: c.496+18T>A on transcript NM_000051.4 (MANE Select); 18 bases into the intron after coding-DNA position 496, T replaced by A.
Molecular consequence: intron variant.
Genome position (GRCh38, 1-based): chr11:108,235,852, T>A. VCF-style: chr11-108235852-T-A. GRCh37 (hg19) VCF-style: chr11-108106579-T-A.
Other names: c.496+18T>A (NM_001351834.2).
Identifiers: ClinVar variation 490592 (VCV000490592.14), dbSNP rs762171014, ClinGen allele CA6264612.

ClinVar aggregate classification (germline): Benign/Likely benign. Review status: criteria provided, multiple submitters, no conflicts (2 of 4 stars). 6 submissions from 6 submitters: Benign (1); Likely benign (5). Last evaluated 2026-02-04.

Conditions:
Ataxia-telangiectasia syndrome (AT). Also called: ATAXIA-TELANGIECTASIA, COMPLEMENTATION GROUP A; ATAXIA-TELANGIECTASIA, FRESNO VARIANT; Ataxia-telangiectasia; Ataxia-telangiectasia, complementation group D; AT, COMPLEMENTATION GROUP C; Ataxia-telangiectasia, complementation group E. Identifiers: Orphanet 100, MedGen C0004135, MONDO:0008840, OMIM 208900.
Hereditary cancer-predisposing syndrome. Also called: Hereditary neoplastic syndrome; Neoplastic Syndromes, Hereditary; Tumor predisposition; Hereditary Cancer Syndrome. Identifiers: Orphanet 140162, MedGen C0027672, MeSH D009386, MONDO:0015356.

Allele frequency attached by ClinVar (database versions not stated): TOPMed 0.00002; gnomAD 0.00003.
gnomAD v4.1: 42 of 1,613,436 alleles (0.0026%); highest among the groups gnomAD compares: Middle Eastern, 0.016%; no homozygotes.

Submissions (6):

Labcorp Genetics (formerly Invitae), Labcorp
Classification: Likely benign for Ataxia-telangiectasia syndrome. Last evaluated: 2026-02-04. Review status: criteria provided, single submitter. Criteria: Invitae Variant Classification Sherloc (09022015). Collection method: clinical testing. Allele origin: germline.

Genomic Medicine Center of Excellence, King Faisal Specialist Hospital and Research Centre
Classification: Likely benign. Last evaluated: 2025-08-18. Review status: criteria provided, single submitter. Criteria: ACMG Guidelines, 2015. Collection method: clinical testing. Allele origin: germline.

Center for Genomic Medicine, Rigshospitalet, Copenhagen University Hospital
Classification: Likely benign. Last evaluated: 2025-03-04. Review status: criteria provided, single submitter. Criteria: ACMG Guidelines, 2015. Collection method: clinical testing. Allele origin: germline.

Blueprint Genetics
Classification: Likely benign. Last evaluated: 2024-11-13. Review status: criteria provided, single submitter. Criteria: ACMG Guidelines, 2015. Collection method: clinical testing. Allele origin: germline.

Color Diagnostics, LLC DBA Color Health
Classification: Likely benign for Hereditary cancer-predisposing syndrome. Last evaluated: 2015-07-29. Review status: criteria provided, single submitter. Criteria: ACMG Guidelines, 2015. Collection method: clinical testing. Allele origin: germline.

GeneDx
Classification: Benign. Last evaluated: 2015-07-23. Review status: criteria provided, single submitter. Criteria: GeneDx Variant Classification (06012015). Collection method: clinical testing. Allele origin: germline. Affected: yes.
Comment: This variant is considered likely benign or benign based on one or more of the following criteria: it is a conservative change, it occurs at a poorly conserved position in the protein, it is predicted to be benign by multiple in silico algorithms, and/or has population frequency not consistent with disease.